The following is an entry in ClinVar:

NM_002471.4(MYH6):c.1867T>C (p.Ser623Pro)

Gene: MYH6 (myosin heavy chain 6; minus strand). Cytogenetic location: 14q11.2.
Variant type: single nucleotide variant.
Coding change: c.1867T>C on transcript NM_002471.4 (MANE Select); coding-DNA position 1867, T replaced by C.
Protein change: p.Ser623Pro; replaces serine 623 with proline.
Molecular consequence: missense variant.
Genome position (GRCh38, 1-based): chr14:23,398,752, A>G on the plus strand (T>C on the coding strand, the complement: MYH6 is on the minus strand). VCF-style: chr14-23398752-A-G. GRCh37 (hg19) VCF-style: chr14-23867961-A-G.
Other names: short protein forms S623P.
Identifiers: ClinVar variation 1879268 (VCV001879268.29), dbSNP rs1595060416, ClinGen allele CA389019852.

ClinVar aggregate classification (germline): Uncertain significance (1 of 4 stars; one submission).

Submission:

CeGaT Center for Human Genetics Tuebingen
Classification: Uncertain significance. Last evaluated: 2022-12-01. Review status: criteria provided, single submitter. Criteria: CeGaT Center For Human Genetics Tuebingen Variant Classification Criteria Version 2. Collection method: clinical testing. Allele origin: germline. Affected: yes. Observed: 1 variant allele.
Comment: MYH6: PM2, BP4